The following is an entry in ClinVar:

ClinVar aggregate classification (germline): Likely pathogenic (1 of 4 stars; one submission).

Conditions:
Primary Mitochondrial Disorders. Identifiers: MedGen CN381104.

Submission:

Variantyx, Inc.
Classification: Likely pathogenic for Primary mitochondrial disorders. Last evaluated: 2025-04-11. Review status: criteria provided, single submitter. Criteria: Variantyx Assertion Criteria 2022. Collection method: clinical testing. Allele origin: germline. Affected: yes.
Comment: The m.5535C>T change is a variant in the MT-TW gene which encodes the mitochondrial transfer RNA for tryptophan. Pathogenic variants in this gene have been associated with primary mitochondrial disorders. Computational algorithms support a deleterious effect on the gene or gene product (Aggregate Predicted Severity Score: 0.5) (PP3). This variant is absent from control populations (PM2). This variant has not been reported in individuals with primary mitochondrial disorders in the databases available for review. Based on the current evidence, this variant is classified as likely pathogenic for primary mitochondrial disorders.

NC_012920.1(MT-TW):m.5535C>T

Gene: MT-TW (mitochondrially encoded tRNA tryptophan; plus strand).
Variant type: single nucleotide variant.
Genome position: chrM-5535-C-T.
Identifiers: ClinVar variation 4795903 (VCV004795903.1).
Genomic context (GRCh38, chrMT:5,535, plus strand): 5'-CTCCTACCTATCTCCCCTTTTATACTAATAATCTTATAGAAATTTAGGTTAAATACAGAC[C>T]AAGAGCCTTCAAAGCCCTCAGTAAGTTGCAATACTTAATTTCTGTAACAGCTAAGGACTG-3'